The following is an entry in ClinVar:

ClinVar aggregate classification (germline): Uncertain significance (1 of 4 stars; one submission).

Conditions:
Epilepsy. Also called: Seizure disorder. Identifiers: MedGen C0014544, MeSH D004827, MONDO:0005027.

Allele frequency attached by ClinVar (database versions not stated): ESP Exome Variant Server 0.00008; TOPMed 0.00012; gnomAD 0.00014 and 0.00015; 1000 Genomes Project 30x 0.00031; 1000 Genomes Project 0.00040.
gnomAD v4.1: 140 of 1,604,538 alleles (0.0087%); highest among the groups gnomAD compares: African/African-American, 0.047%; no homozygotes.

Submission:

Labcorp Genetics (formerly Invitae), Labcorp
Classification: Uncertain significance for Epilepsy. Last evaluated: 2022-10-14. Review status: criteria provided, single submitter. Criteria: Invitae Variant Classification Sherloc (09022015). Collection method: clinical testing. Allele origin: germline.
Comment: This sequence change replaces threonine, which is neutral and polar, with methionine, which is neutral and non-polar, at codon 159 of the PIGQ protein (p.Thr159Met). This variant is present in population databases (rs377253487, gnomAD 0.04%). This variant has not been reported in the literature in individuals affected with PIGQ-related conditions. ClinVar contains an entry for this variant (Variation ID: 526272). Algorithms developed to predict the effect of missense changes on protein structure and function are either unavailable or do not agree on the potential impact of this missense change (SIFT: "Deleterious"; PolyPhen-2: "Benign"; Align-GVGD: "Class C0"). In summary, the available evidence is currently insufficient to determine the role of this variant in disease. Therefore, it has been classified as a Variant of Uncertain Significance.

NM_004204.5(PIGQ):c.476C>T (p.Thr159Met)

Gene: PIGQ (phosphatidylinositol glycan anchor biosynthesis class Q; plus strand). Cytogenetic location: 16p13.3.
Variant type: single nucleotide variant.
Coding change: c.476C>T on transcript NM_004204.5 (MANE Select); coding-DNA position 476, C replaced by T.
Protein change: p.Thr159Met; replaces threonine 159 with methionine.
Molecular consequence: missense variant.
Genome position (GRCh38, 1-based): chr16:574,550, C>T. VCF-style: chr16-574550-C-T. GRCh37 (hg19) VCF-style: chr16-624550-C-T.
Other names: c.476C>T, p.Thr159Met (NM_148920.4); short protein forms T159M.
Identifiers: ClinVar variation 526272 (VCV000526272.6), dbSNP rs377253487, ClinGen allele CA7779876.